The following is an entry in ClinVar:

ClinVar aggregate classification (germline): Pathogenic. Review status: criteria provided, multiple submitters, no conflicts (2 of 4 stars). 14 submissions from 14 submitters: Pathogenic (13). 1 of the submissions does not count toward it. Last evaluated 2026-07-30.

Conditions:
Inherited breast cancer and ovarian cancer.
autosomal dominant PALB2-related cancer predisposition.
Breast-ovarian cancer, familial, susceptibility to, 5 (BROVCA5). Identifiers: MedGen C5830615, MONDO:0957530, OMIM 620442.
Familial cancer of breast. Also called: BREAST CANCER, FAMILIAL; Hereditary breast cancer; hereditary breast carcinoma. Identifiers: Orphanet 227535, MedGen C0346153, MONDO:0016419, OMIM 114480. Disease mechanism: loss of function.
Pancreatic cancer, susceptibility to, 3. Identifiers: Orphanet 1333, MedGen C3150547, MONDO:0013236, OMIM 613348.
Fanconi anemia complementation group N. Also called: PALB2-Related Fanconi Anemia. Identifiers: Orphanet 84, MedGen C1835817, MONDO:0012565, OMIM 610832. Disease mechanism: loss of function.
Hereditary cancer-predisposing syndrome. Also called: Neoplastic Syndromes, Hereditary; Hereditary Cancer Syndrome; Tumor predisposition; Hereditary neoplastic syndrome. Identifiers: Orphanet 140162, MedGen C0027672, MeSH D009386, MONDO:0015356.

Allele frequency attached by ClinVar (database versions not stated): gnomAD exomes below 0.00001 and 0.00001.

Submissions (14):

Genetics Laboratory, Great Ormond Street Hospital NHS Foundation Trust, North Thames Genomic Laboratory Hub
Classification: Pathogenic for Inherited breast cancer and ovarian cancer. Last evaluated: 2026-07-30. Review status: criteria provided, single submitter. Criteria: CanVIG PALB2 Gene Specific V1.2. Collection method: clinical testing. Allele origin: germline. Affected: yes.
Comment: PM2_supporting, PVS1_very-strong, PM5_supporting

St. Jude Molecular Pathology, St. Jude Children's Research Hospital
Classification: Pathogenic for Familial cancer of breast. Last evaluated: 2026-02-11. Review status: criteria provided, single submitter. Criteria: St. Jude Assertion Criteria 2020. Collection method: clinical testing. Allele origin: germline.

Labcorp Genetics (formerly Invitae), Labcorp
Classification: Pathogenic for Familial cancer of breast. Last evaluated: 2025-12-10. Review status: criteria provided, single submitter. Criteria: Invitae Variant Classification Sherloc (09022015). Collection method: clinical testing. Allele origin: germline.
Comment: This sequence change creates a premature translational stop signal (p.Ser380Argfs*43) in the PALB2 gene. It is expected to result in an absent or disrupted protein product. Loss-of-function variants in PALB2 are known to be pathogenic (PMID: 17200668, 17200671, 17200672, 24136930, 25099575). This variant is present in population databases (no rsID available, gnomAD 0.002%). This premature translational stop signal has been observed in individual(s) with breast cancer (PMID: 28423363). ClinVar contains an entry for this variant (Variation ID: 492149). For these reasons, this variant has been classified as Pathogenic.

Variantyx, Inc.
Classification: Pathogenic for autosomal dominant PALB2-related cancer predisposition. Last evaluated: 2025-09-22. Review status: criteria provided, single submitter. Criteria: Variantyx Assertion Criteria 2022. Collection method: clinical testing. Allele origin: germline. Inheritance: Autosomal dominant inheritance. Affected: yes.
Comment: This is a frameshift variant in the PALB2 gene (OMIM: 610355). Pathogenic variants in this gene have been associated with autosomal dominant PALB2-related cancer predisposition. This variant introduces a premature termination codon in exon 4 out of 13and is ex pected to result in loss of function, which is a known disease mechanism for PALB2 in this disorder (PMID: 17200668, 17200671, 17200672, 24136930, 25099575) (PVS1). This variant has been reported in the heterozygous state in multiple affected individuals (PMID: 30613976, 31300551, 35264596, 28423363). Numerous other variants truncating within the region of the gene expected to lead to nonsense-mediated decay (NMD) have been previously reported in affected individuals (PMID: 40967221) (PM5_Supporting). This variant has a 0.0002% maximum allele frequency in non-founder control populations (PM2). Based on the current evidence, this variant is classified as pathogenic for autosomal dominant PALB2-related cancer predisposition.

Color Diagnostics, LLC DBA Color Health
Classification: Pathogenic for Hereditary cancer-predisposing syndrome. Last evaluated: 2024-08-12. Review status: criteria provided, single submitter. Criteria: ACMG Guidelines, 2015. Collection method: clinical testing. Allele origin: germline.
Comment: This variant deletes 4 nucleotides in exon 4 of the PALB2 gene, creating a frameshift and premature translation stop signal. This variant is expected to result in an absent or non-functional protein product. This variant has been detected in at least four individuals affected with breast cancer (PMID: 30613976, 31300551, 35264596; Color internal data) and an individual affected with breast and/or ovarian cancer (PMID: 28423363). This variant has been identified in 2/251220 chromosomes in the general population by the Genome Aggregation Database (gnomAD). Loss of PALB2 function is a known mechanism of disease. Based on the available evidence, this variant is classified as Pathogenic.

Baylor Genetics
Classification: Pathogenic for Familial cancer of breast. Last evaluated: 2024-02-13. Review status: criteria provided, single submitter. Criteria: ACMG Guidelines, 2015. Collection method: clinical testing. Allele origin: unknown.

Myriad Genetics, Inc.
Classification: Pathogenic for Familial cancer of breast. Last evaluated: 2023-09-07. Review status: criteria provided, single submitter. Criteria: Myriad Autosomal Dominant, Autosomal Recessive and X-Linked Classification Criteria (2023). Collection method: clinical testing. Allele origin: unknown.
Comment: This variant is considered pathogenic. This variant creates a frameshift predicted to result in premature protein truncation.

Ambry Genetics
Classification: Pathogenic for Hereditary cancer-predisposing syndrome. Last evaluated: 2022-12-09. Review status: criteria provided, single submitter. Criteria: Ambry Variant Classification Scheme 2023. Collection method: clinical testing. Allele origin: germline.
Comment: The c.1140_1143delTCTT pathogenic mutation, located in coding exon 4 of the PALB2 gene, results from a deletion of 4 nucleotides at nucleotide positions 1140 to 1143, causing a translational frameshift with a predicted alternate stop codon (p.S380Rfs*43). This variant has been reported in multiple breast cancer patients (Tedaldi G et al. Oncotarget. 2017 Jul;8:47064-47075; Guindalini RSC et al. Sci Rep. 2022 Mar;12:4190). In addition to the clinical data presented in the literature, this alteration is expected to result in loss of function by premature protein truncation or nonsense-mediated mRNA decay. As such, this alteration is interpreted as a disease-causing mutation.

Fulgent Genetics
Classification: Pathogenic for Familial cancer of breast; Fanconi anemia complementation group N; Pancreatic cancer, susceptibility to, 3. Last evaluated: 2021-11-21. Review status: criteria provided, single submitter. Criteria: ACMG Guidelines, 2015. Collection method: clinical testing. Allele origin: unknown.

Sema4
Classification: Pathogenic for Hereditary cancer-predisposing syndrome. Last evaluated: 2021-05-18. Review status: criteria provided, single submitter. Criteria: Sema4 Curation Guidelines. Collection method: curation. Allele origin: germline.
Comment: The PALB2 c.1140_1143delTCTT (p.S380Rfs*43) variant has been reported in heterozygosity in at least three individuals with hereditary breast and/or ovarian cancer (PMID: 28423363, 31300551, 30613976). This variant causes a frameshift at amino acid 380 that results in premature termination 43 amino acids downstream. At this location, this is predicted to cause nonsense-mediated decay and result in an absent protein (loss of function). It was observed in 2/113560 chromosomes in the Non-Finnish European subpopulation in the large and broad cohorts of the Genome Aggregation Database (PMID: 32461654). The variant has been reported in ClinVar (Variation ID: 492149). Based on the current evidence available, this variant is interpreted as pathogenic.

Quest Diagnostics Nichols Institute San Juan Capistrano
Classification: Pathogenic. Last evaluated: 2020-10-15. Review status: criteria provided, single submitter. Criteria: Quest Diagnostics criteria. Collection method: clinical testing. Allele origin: unknown.
Comment: This frameshift variant causes the premature termination of PALB2 protein synthesis. It has been reported in individuals with breast cancer in the published literature (PMID: 31300551 (2020), 28423363 (2017)). Therefore, the variant is classified as pathogenic.

Department of Pathology and Laboratory Medicine, Sinai Health System
Classification: Pathogenic for Breast-ovarian cancer, familial, susceptibility to, 5. Last evaluated: 2020-10-06. Review status: criteria provided, single submitter. Criteria: ACMG Guidelines, 2015. Collection method: clinical testing. Allele origin: germline. Affected: yes.

Mendelics
Classification: Pathogenic for Familial cancer of breast. Last evaluated: 2019-05-28. Review status: criteria provided, single submitter. Criteria: Mendelics Assertion Criteria 2017. Collection method: clinical testing. Allele origin: unknown.

Leiden Open Variation Database
Classification: Pathogenic. Last evaluated: 2019-12-23. Review status: no assertion criteria provided. Collection method: curation. Allele origin: germline. Affected: yes. Not counted in ClinVar's aggregate classification.
Comment: Curators: Marc Tischkowitz, Arleen D. Auerbach. Submitter to LOVD: Florentia Fostira.

Literature cited by the submitters: PubMed 17200668 (cited by Labcorp Genetics (formerly Invitae), Labcorp); PubMed 17200671 (cited by Labcorp Genetics (formerly Invitae), Labcorp); PubMed 17200672 (cited by Labcorp Genetics (formerly Invitae), Labcorp); PubMed 24136930 (cited by Labcorp Genetics (formerly Invitae), Labcorp); PubMed 25099575 (cited by Labcorp Genetics (formerly Invitae), Labcorp and Variantyx, Inc.); PubMed 28423363 (cited by 6 submitters); PubMed 28825143 (cited by Variantyx, Inc.); PubMed 32339256 (cited by Variantyx, Inc.); PubMed 26720728 (cited by Variantyx, Inc.); PubMed 26681312 (cited by Variantyx, Inc.); PubMed 25186627 (cited by Variantyx, Inc.); PubMed 21285249 (cited by Variantyx, Inc.); PubMed 21165770 (cited by Variantyx, Inc.); PubMed 20412113 (cited by Variantyx, Inc.); PubMed 30613976 (cited by Color Diagnostics, LLC DBA Color Health and Sema4); PubMed 31300551 (cited by 5 submitters); PubMed 35264596 (cited by Color Diagnostics, LLC DBA Color Health and Ambry Genetics).

NM_024675.4(PALB2):c.1140_1143del (p.Ser380fs)

Gene: PALB2 (partner and localizer of BRCA2; minus strand). Cytogenetic location: 16p12.2.
Variant type: Deletion.
Coding change: c.1140_1143del on transcript NM_024675.4 (MANE Select); coding-DNA positions 1140 to 1143, 4 bases deleted (TCTT; older notation c.1140_1143delTCTT).
Protein change: p.Ser380fs; shifts the reading frame from serine 380.
Molecular consequence: frameshift variant.
Genome position (GRCh38, 1-based): chr16:23,635,403-23,635,406, AAGA deleted on the plus strand (TCTT on the coding strand, the reverse complement: PALB2 is on the minus strand). VCF-style (leftmost placement, unchanged base first): chr16-23635402-TAAGA-T. GRCh37 (hg19) VCF-style: chr16-23646723-TAAGA-T.
Other names: c.1140_1143delTCTT (NM_024675.3); short protein forms S380fs.
Identifiers: ClinVar variation 492149 (VCV000492149.31), dbSNP rs1257545151, ClinGen allele CA621661731.